The following is an entry in ClinVar:

NM_001042432.2(CLN3):c.-1G>T

Gene: CLN3 (CLN3 lysosomal/endosomal transmembrane protein, battenin; minus strand). Cytogenetic location: 16p12.1.
Variant type: single nucleotide variant.
Coding change: c.-1G>T on transcript NM_001042432.2 (MANE Select); 1 bases upstream of the start codon, G replaced by T.
Molecular consequence: 5 prime UTR variant.
Genome position (GRCh38, 1-based): chr16:28,491,760, C>A on the plus strand (G>T on the coding strand, the complement: CLN3 is on the minus strand). VCF-style: chr16-28491760-C-A. GRCh37 (hg19) VCF-style: chr16-28503081-C-A.
Other names: c.-1G>T (NM_000086.2, NM_001286104.2); c.-142G>T (NM_001286105.2); c.-84G>T (NM_001286109.2, NM_001286110.2).
Identifiers: ClinVar variation 420263 (VCV000420263.13), dbSNP rs201274333, ClinGen allele CA7981129.

ClinVar aggregate classification (germline): Conflicting classifications of pathogenicity. Review status: criteria provided, conflicting classifications (1 of 4 stars). 5 submissions from 5 submitters: Uncertain significance (4); Likely benign (1). Last evaluated 2025-03-25.

Conditions:
CLN3-related disorder. Also called: CLN3-related condition. Identifiers: MedGen CN382248.
Inborn genetic diseases. Identifiers: MedGen C0950123, MeSH D030342.
Neuronal ceroid lipofuscinosis 3 (CLN3). Identifiers: Orphanet 228346, MedGen C0751383, MONDO:0008767, OMIM 204200.

Allele frequency attached by ClinVar (database versions not stated): TOPMed 0.00002.
gnomAD v4.1: 30 of 1,613,762 alleles (0.0019%); highest among the groups gnomAD compares: Admixed American, 0.05%; no homozygotes.

Submissions (5):

PreventionGenetics, part of Exact Sciences
Classification: Likely benign for CLN3-related condition. Last evaluated: 2025-03-25. Review status: criteria provided, single submitter. Criteria: ACMG Guidelines, 2015. Collection method: clinical testing. Allele origin: germline.
Comment: This variant is classified as likely benign based on ACMG/AMP sequence variant interpretation guidelines (Richards et al. 2015 PMID: 25741868, with internal and published modifications).

Genome-Nilou Lab
Classification: Uncertain significance for Neuronal ceroid lipofuscinosis 3. Last evaluated: 2021-09-05. Review status: criteria provided, single submitter. Criteria: ACMG Guidelines, 2015. Collection method: clinical testing. Allele origin: germline. Affected: no.

Ambry Genetics
Classification: Uncertain significance for Inborn genetic diseases. Last evaluated: 2017-12-14. Review status: criteria provided, single submitter. Criteria: Ambry Variant Classification Scheme 2023. Collection method: clinical testing. Allele origin: germline.
Comment: The c.-1G>T variant is located in the 5' untranslated region (5&rsquo; UTR) of the CLN3 gene. This variant results from a G to T substitution 1 bases upstream from the first translated codon. This nucleotide position is poorly conserved in available vertebrate species. Since supporting evidence is limited at this time, the clinical significance of this variant remains unclear.

Eurofins Ntd Llc (ga)
Classification: Uncertain significance. Last evaluated: 2017-03-08. Review status: criteria provided, single submitter. Criteria: EGL Classification Definitions 2015. Collection method: clinical testing. Allele origin: germline. Observed: 1 variant allele, 1 heterozygote.

GeneDx
Classification: Uncertain significance. Last evaluated: 2016-06-21. Review status: criteria provided, single submitter. Criteria: GeneDx Variant Classification (06012015). Collection method: clinical testing. Allele origin: germline. Affected: yes.
Comment: A variant of uncertain significance has been identified in the CLN3 gene. The c.-1 G>T variant has not been published as a pathogenic variant, nor has it been reported as a benign variant to our knowledge. It was not observed in approximately 6,500 individuals of European and African American ancestry in the NHLBI Exome Sequencing Project, indicating it is not a common benign variant in these populations. The c.-1 G>T variant alters a position that is not conserved in the Kozak sequence, which plays a role in the initiation of protein translation. Additionally, to our knowledge, no regulatory variants have been reported in the CLN3 gene in association with juvenile neuronal ceroid lipofuscinosis (Stenson et al., 2014). However, in the absence of RNA/functional studies, the actual effect of the c.-1 G>T variant in this individual is uncertain. Therefore, based on the currently available information, it is unclear whether this variant is a pathogenic variant or a rare benign variant.